The following is an entry in ClinVar:

NM_003919.3(SGCE):c.521del (p.Met174fs)

Genes: CASD1 (CAS1 domain sialic acid O acetyltransferase 1; plus strand), SGCE (sarcoglycan epsilon; minus strand). Cytogenetic location: 7q21.3.
Variant type: Deletion.
Coding change: c.521del on transcript NM_003919.3 (MANE Select); coding-DNA position 521, one base deleted (T; older notation c.521delT).
Protein change: p.Met174fs; shifts the reading frame from methionine 174.
Molecular consequence: frameshift variant.
Genome position (GRCh38, 1-based): chr7:94,618,899, A deleted on the plus strand (T on the coding strand, the reverse complement: SGCE is on the minus strand). VCF-style (leftmost placement, unchanged base first): chr7-94618898-CA-C. GRCh37 (hg19) VCF-style: chr7-94248210-CA-C.
Other names: c.521del, p.Met174fs (NM_001099400.2, NM_001099401.2, NM_001346717.2); c.398del, p.Met133fs (NM_001301139.2, NM_001362809.2); c.629del, p.Met210fs (NM_001346713.2, NM_001346715.2); c.434del, p.Met145fs (NM_001346719.2, NM_001362807.2); c.248del, p.Met83fs (NM_001346720.2, NM_001362808.2); short protein forms M133fs, M145fs, M174fs, M210fs, M83fs.
Identifiers: ClinVar variation 1329499 (VCV001329499.3), dbSNP rs2116882157, ClinGen allele CA2573052942.
Genomic context (GRCh38, chr7:94,618,898, plus strand): 5'-CTCTGGCTGCCACACATTTTTCACTGCGCCAAGAAAGTCTCCAAGAACCTCACTGGCCAA[CA>C]TTTCTTCTACATTCATATTCTTAATGAAGAATTCTGCTTGATATGGCAACGGGAAGTCTA-3'

ClinVar aggregate classification (germline): Pathogenic (1 of 4 stars; one submission).

Conditions:
Myoclonic dystonia 11 (DYT11). Also called: Myoclonic dystonia; Dystonia 11; Dystonia, alcohol responsive; Hereditary essential myoclonus; SGCE Myoclonus-Dystonia; Myoclonus-Dystonia. Identifiers: Orphanet 36899, MedGen C1834570, MONDO:0008044, OMIM 159900.

Submission:

Diagnostics Services (NGS), CSIR - Centre For Cellular And Molecular Biology
Classification: Pathogenic for Myoclonic dystonia 11. Last evaluated: 2021-12-07. Review status: criteria provided, single submitter. Criteria: ACMG Guidelines, 2015. Collection method: clinical testing. Allele origin: unknown. Inheritance: Autosomal dominant inheritance. Affected: yes. Observed: 1 variant allele, 1 heterozygote.
Comment: The c.521del variant is not present in publicly available population databases like 1000 Genomes, Exome Variant Server (EVS), Exome Aggregation Consortium (ExAC), Genome Aggregation Database (gnomAD) and dbSNP. The variant is not present in Indian Exome Database and in our in-house exome database. The variant was not earlier reported to ClinVar, Human Genome Mutation Database (HGMD) and/or OMIM databases in any affected individuals. In-silico pathogenicity prediction programs like MutationTaster2, CADD, Varsome etc. predicted this variant to be likely deleterious. The variant causes frameshift at the 174th aminoacid position that creates a premature stop codon at the 187th aminoacid position of the altered transcript that may either may cause nonsense mediated decay of the mRNA or creates a truncated protein.